The following is an entry in ClinVar:

NM_016343.4(CENPF):c.2101A>C (p.Met701Leu)

Gene: CENPF (centromere protein F; plus strand). Cytogenetic location: 1q41.
Variant type: single nucleotide variant.
Coding change: c.2101A>C on transcript NM_016343.4 (MANE Select); coding-DNA position 2101, A replaced by C.
Protein change: p.Met701Leu; replaces methionine 701 with leucine.
Molecular consequence: missense variant.
Genome position (GRCh38, 1-based): chr1:214,640,439, A>C. VCF-style: chr1-214640439-A-C. GRCh37 (hg19) VCF-style: chr1-214813782-A-C.
Other names: short protein forms M701L.
Identifiers: ClinVar variation 775665 (VCV000775665.36), dbSNP rs3795524, ClinGen allele CA1390203.

ClinVar aggregate classification (germline): Benign/Likely benign. Review status: criteria provided, multiple submitters, no conflicts (2 of 4 stars). 5 submissions from 5 submitters: Benign (2); Likely benign (3). Last evaluated 2026-10-01.

Allele frequency attached by ClinVar (database versions not stated): 1000 Genomes Project 30x 0.00578.
gnomAD v4.1: 1,056 of 1,614,050 alleles (0.065%); highest among the groups gnomAD compares: African/African-American, 1.2%; 7 homozygotes.

Submissions (5):

CeGaT Center for Human Genetics Tuebingen
Classification: Likely benign. Last evaluated: 2026-10-01. Review status: criteria provided, single submitter. Criteria: CeGaT Center For Human Genetics Tuebingen Variant Classification Criteria Version 2. Collection method: clinical testing. Allele origin: germline. Affected: yes. Observed: 2 variant alleles.
Comment: CENPF: BP4, BS1

Labcorp Genetics (formerly Invitae), Labcorp
Classification: Benign. Last evaluated: 2025-12-23. Review status: criteria provided, single submitter. Criteria: Invitae Variant Classification Sherloc (09022015). Collection method: clinical testing. Allele origin: germline.

Blueprint Genetics
Classification: Likely benign. Last evaluated: 2024-11-14. Review status: criteria provided, single submitter. Criteria: ACMG Guidelines, 2015. Collection method: clinical testing. Allele origin: germline.

GeneDx
Classification: Likely benign. Last evaluated: 2020-09-21. Review status: criteria provided, single submitter. Criteria: GeneDx Variant Classification Process June 2021. Collection method: clinical testing. Allele origin: germline. Affected: yes.

Genetic Services Laboratory, University of Chicago
Classification: Benign. Last evaluated: 2018-07-16. Review status: criteria provided, single submitter. Criteria: ACMG Guidelines, 2015. Collection method: clinical testing. Allele origin: germline. Affected: no.